The following is an entry in ClinVar:

NM_006514.4(SCN10A):c.1625G>A (p.Gly542Asp)

Gene: SCN10A (sodium voltage-gated channel alpha subunit 10; minus strand). Cytogenetic location: 3p22.2.
Variant type: single nucleotide variant.
Coding change: c.1625G>A on transcript NM_006514.4 (MANE Select); coding-DNA position 1625, G replaced by A.
Protein change: p.Gly542Asp; replaces glycine 542 with aspartic acid.
Molecular consequence: missense variant. On other transcripts: intron variant (1).
Genome position (GRCh38, 1-based): chr3:38,752,349, C>T on the plus strand (G>A on the coding strand, the complement: SCN10A is on the minus strand). VCF-style: chr3-38752349-C-T. GRCh37 (hg19) VCF-style: chr3-38793840-C-T.
Other names: c.1625G>A, p.Gly542Asp (NM_001293306.2); c.1462-2165G>A (NM_001293307.2); c.1625G>A (NM_006514.2); short protein forms G542D.
Identifiers: ClinVar variation 2420371 (VCV002420371.5), dbSNP rs754171794, ClinGen allele CA2320795.
Genomic context (GRCh38, chr3:38,752,349, plus strand): 5'-GAGTCAGGGTTGCTGGGTTGAGGAAGAGGGCTTCTAGGGAGGGGGCCTTGCTGGCCAGCA[C>T]CCCCACCCAGCAGCAGAGAGCCCCGATGGCTTTCGTGGTCTCCAGGAAAGACTCCATCAT-3'
Protein context (NP_006505.4, residues 532-552): SHRGSLLLGG[Gly542Asp]AGQQGPLPRS

ClinVar aggregate classification (germline): Uncertain significance. Review status: criteria provided, multiple submitters, no conflicts (2 of 4 stars). 2 submissions from 2 submitters: Uncertain significance (2). Last evaluated 2026-02-13.

Conditions:
Cardiovascular phenotype. Identifiers: MedGen CN230736.
Brugada syndrome. Also called: Sudden unexpected nocturnal death syndrome; Sudden unexplained nocturnal death syndrome; Sudden Unexplained Death Syndrome; Sudden Unexplained Nocturnal Death Syndrome (SUNDS). Identifiers: Orphanet 130, MedGen C1142166, MONDO:0015263.

Allele frequency attached by ClinVar (database versions not stated): TOPMed below 0.00001; ExAC 0.00001.
gnomAD v4.1: 4 of 1,613,384 alleles (0.00025%); highest among the groups gnomAD compares: African/African-American, 0.0013%; no homozygotes.

Submissions (2):

Ambry Genetics
Classification: Uncertain significance for Cardiovascular phenotype. Last evaluated: 2026-02-13. Review status: criteria provided, single submitter. Criteria: Ambry Variant Classification Scheme 2023. Collection method: clinical testing. Allele origin: germline.
Comment: The p.G542D variant (also known as c.1625G>A), located in coding exon 11 of the SCN10A gene, results from a G to A substitution at nucleotide position 1625. The glycine at codon 542 is replaced by aspartic acid, an amino acid with similar properties. This amino acid position is conserved. In addition, this alteration is predicted to be tolerated by in silico analysis. Based on the available evidence, the clinical significance of this variant remains unclear.

Labcorp Genetics (formerly Invitae), Labcorp
Classification: Uncertain significance for Brugada syndrome. Last evaluated: 2022-07-06. Review status: criteria provided, single submitter. Criteria: Invitae Variant Classification Sherloc (09022015). Collection method: clinical testing. Allele origin: germline.
Comment: In summary, the available evidence is currently insufficient to determine the role of this variant in disease. Therefore, it has been classified as a Variant of Uncertain Significance. Advanced modeling of protein sequence and biophysical properties (such as structural, functional, and spatial information, amino acid conservation, physicochemical variation, residue mobility, and thermodynamic stability) performed at Invitae indicates that this missense variant is not expected to disrupt SCN10A protein function. This variant has not been reported in the literature in individuals affected with SCN10A-related conditions. This variant is present in population databases (rs754171794, gnomAD 0.007%). This sequence change replaces glycine, which is neutral and non-polar, with aspartic acid, which is acidic and polar, at codon 542 of the SCN10A protein (p.Gly542Asp).